The following is an entry in ClinVar:

NM_001374828.1(ARID1B):c.6776C>T (p.Ser2259Leu)

Gene: ARID1B (AT-rich interaction domain 1B; plus strand). Cytogenetic location: 6q25.3.
Variant type: single nucleotide variant.
Coding change: c.6776C>T on transcript NM_001374828.1 (MANE Select); coding-DNA position 6776, C replaced by T.
Protein change: p.Ser2259Leu; replaces serine 2259 with leucine.
Molecular consequence: missense variant.
Genome position (GRCh38, 1-based): chr6:157,207,548, C>T. VCF-style: chr6-157207548-C-T. GRCh37 (hg19) VCF-style: chr6-157528682-C-T.
Other names: c.4277C>T, p.Ser1426Leu (NM_001363725.2); c.6656C>T, p.Ser2219Leu (NM_001371656.1, NM_001374820.1); c.6617C>T, p.Ser2206Leu (NM_017519.3); c.6407C>T (NM_020732.3); short protein forms S1426L, S2206L, S2219L, S2259L.
Identifiers: ClinVar variation 3900350 (VCV003900350.1).

ClinVar aggregate classification (germline): Uncertain significance (1 of 4 stars; one submission).

gnomAD v4.1: 1 of 1,614,142 alleles (0.000062%); highest among the groups gnomAD compares: Non-Finnish European, 0.000085%; no homozygotes.

Submission:

GeneDx
Classification: Uncertain significance. Last evaluated: 2024-11-21. Review status: criteria provided, single submitter. Criteria: GeneDx Variant Classification Process June 2021. Collection method: clinical testing. Allele origin: germline. Affected: yes.
Comment: Not observed at significant frequency in large population cohorts (gnomAD); In silico analysis supports that this missense variant has a deleterious effect on protein structure/function; Has not been previously published as pathogenic or benign to our knowledge